The following is an entry in ClinVar:

NM_021023.6(CFHR3):c.371A>G (p.Gln124Arg)

Gene: CFHR3 (complement factor H related 3; plus strand). Cytogenetic location: 1q31.3.
Variant type: single nucleotide variant.
Coding change: c.371A>G on transcript NM_021023.6 (MANE Select); coding-DNA position 371, A replaced by G.
Protein change: p.Gln124Arg; replaces glutamine 124 with arginine.
Molecular consequence: missense variant.
Genome position (GRCh38, 1-based): chr1:196,779,914, A>G. VCF-style: chr1-196779914-A-G. GRCh37 (hg19) VCF-style: chr1-196749044-A-G.
Other names: p.Gln124Arg; c.371A>G, p.Gln124Arg (NM_001166624.2); short protein forms Q124R.
Identifiers: ClinVar variation 3380311 (VCV003380311.1).
Genomic context (GRCh38, chr1:196,779,914, plus strand): 5'-TTGTACAGGGTAACTCTACAGAAGTTGCCTGCCATCCTGGCTACGGTCTTCCAAAAGCGC[A>G]GACCACAGTTACATGTACGGAGAAAGGCTGGTCTCCTACTCCCAGATGCATCCGTGTCAG-3'
Protein context (NP_066303.2, residues 114-134): CHPGYGLPKA[Gln124Arg]TTVTCTEKGW

ClinVar aggregate classification (germline): Uncertain significance (1 of 4 stars; one submission).

gnomAD v4.1: 4 of 1,533,618 alleles (0.00026%); highest among the groups gnomAD compares: Non-Finnish European, 0.00035%; no homozygotes.

Submission:

Mayo Clinic Laboratories, Mayo Clinic
Classification: Uncertain significance. Last evaluated: 2023-12-08. Review status: criteria provided, single submitter. Criteria: ACMG Guidelines, 2015. Collection method: clinical testing. Allele origin: germline. Observed: 1 variant allele.
Comment: BP4